The following is an entry in ClinVar:

ClinVar aggregate classification (germline): Likely pathogenic (1 of 4 stars; one submission).

Conditions:
Hirschsprung disease, susceptibility to, 1 (HSCR1). Also called: RET-Related Hirschsprung Disease. Identifiers: Orphanet 388, MedGen C3888239, MONDO:0007723, OMIM 142623.

Submission:

Clinical Genetics Laboratory, Skane University Hospital Lund
Classification: Likely pathogenic for Hirschsprung disease, susceptibility to, 1. Last evaluated: 2026-06-09. Review status: criteria provided, single submitter. Criteria: ACMG Guidelines, 2015. Collection method: clinical testing. Allele origin: germline. Affected: yes.
Comment: ACMG citerias used: PVS1, PM2.

NM_020975.6(RET):c.335del (p.Arg112fs)

Gene: RET (ret proto-oncogene; plus strand). Cytogenetic location: 10q11.21.
Variant type: Deletion.
Coding change: c.335del on transcript NM_020975.6 (MANE Select); coding-DNA position 335, one base deleted (G; older notation c.335delG).
Protein change: p.Arg112fs; shifts the reading frame from arginine 112.
Molecular consequence: frameshift variant. On other transcripts: intron variant (4).
Genome position (GRCh38, 1-based): chr10:43,100,720, G deleted. VCF-style (leftmost placement, unchanged base first): chr10-43100719-CG-C. GRCh37 (hg19) VCF-style: chr10-43596167-CG-C.
Other names: c.335del, p.Arg112fs (NM_001406743.1, NM_001406744.1, NM_001406759.1 and 32 more transcripts); c.74-8311del (NM_001406784.1); c.74-11379del (NM_001406794.1, NM_001406792.1, NM_001406793.1); short protein forms R112fs.
Identifiers: ClinVar variation 4852792 (VCV004852792.1).